The following is an entry in ClinVar:

NM_177972.3(TUB):c.39-9G>A

Gene: TUB (TUB bipartite transcription factor; plus strand). Cytogenetic location: 11p15.4.
Variant type: single nucleotide variant.
Coding change: c.39-9G>A on transcript NM_177972.3 (MANE Select); 9 bases into the intron before coding-DNA position 39, G replaced by A.
Molecular consequence: intron variant.
Genome position (GRCh38, 1-based): chr11:8,089,601, G>A. VCF-style: chr11-8089601-G-A. GRCh37 (hg19) VCF-style: chr11-8111148-G-A.
Other names: c.204-9G>A (NM_003320.5).
Identifiers: ClinVar variation 727129 (VCV000727129.12), dbSNP rs202230011, ClinGen allele CA5870924.

ClinVar aggregate classification (germline): Likely benign. Review status: criteria provided, single submitter (1 of 4 stars). 2 submissions from 2 submitters: Likely benign (1). 1 of the submissions does not count toward it. Last evaluated 2025-12-15.

Conditions:
TUB-related disorder. Also called: TUB-related condition.

Allele frequency attached by ClinVar (database versions not stated): gnomAD exomes 0.00053; gnomAD 0.00066 and 0.00071; TOPMed 0.00068; ESP Exome Variant Server 0.00100.
gnomAD v4.1: 939 of 1,613,874 alleles (0.058%); highest among the groups gnomAD compares: Non-Finnish European, 0.014%; 8 homozygotes.

Submissions (2):

Labcorp Genetics (formerly Invitae), Labcorp
Classification: Likely benign. Last evaluated: 2025-12-15. Review status: criteria provided, single submitter. Criteria: Invitae Variant Classification Sherloc (09022015). Collection method: clinical testing. Allele origin: germline.

PreventionGenetics, part of Exact Sciences
Classification: Benign for TUB-related condition. Last evaluated: 2024-01-03. Review status: no assertion criteria provided. Collection method: clinical testing. Allele origin: germline. Not counted in ClinVar's aggregate classification.
Comment: This variant is classified as benign based on ACMG/AMP sequence variant interpretation guidelines (Richards et al. 2015 PMID: 25741868, with internal and published modifications).